The following is an entry in ClinVar:

ClinVar aggregate classification (germline): Uncertain significance. Review status: criteria provided, multiple submitters, no conflicts (2 of 4 stars). 2 submissions from 2 submitters: Uncertain significance (2). Last evaluated 2023-04-12.

Conditions:
Inborn genetic diseases. Identifiers: MedGen C0950123, MeSH D030342.

Allele frequency attached by ClinVar (database versions not stated): ExAC 0.00002; gnomAD 0.00002; TOPMed 0.00003; gnomAD exomes 0.00004.
gnomAD v4.1: 10 of 1,613,868 alleles (0.00062%); highest among the groups gnomAD compares: East Asian, 0.018%; no homozygotes.

Submissions (2):

Labcorp Genetics (formerly Invitae), Labcorp
Classification: Uncertain significance. Last evaluated: 2023-04-12. Review status: criteria provided, single submitter. Criteria: Invitae Variant Classification Sherloc (09022015). Collection method: clinical testing. Allele origin: germline.
Comment: In summary, the available evidence is currently insufficient to determine the role of this variant in disease. Therefore, it has been classified as a Variant of Uncertain Significance. An algorithm developed to predict the effect of missense changes on protein structure and function (PolyPhen-2) suggests that this variant is likely to be tolerated. ClinVar contains an entry for this variant (Variation ID: 1418296). This variant has not been reported in the literature in individuals affected with VCAN-related conditions. This variant is present in population databases (rs781684060, gnomAD 0.06%). This sequence change replaces glutamine, which is neutral and polar, with arginine, which is basic and polar, at codon 1661 of the VCAN protein (p.Gln1661Arg).

Ambry Genetics
Classification: Uncertain significance for Inborn genetic diseases. Last evaluated: 2023-02-07. Review status: criteria provided, single submitter. Criteria: Ambry Variant Classification Scheme 2023. Collection method: clinical testing. Allele origin: germline.

NM_004385.5(VCAN):c.4982A>G (p.Gln1661Arg)

Genes: VCAN (versican; plus strand), VCAN-AS1 (VCAN antisense RNA 1; minus strand). Cytogenetic location: 5q14.3.
Variant type: single nucleotide variant.
Coding change: c.4982A>G on transcript NM_004385.5 (MANE Select); coding-DNA position 4982, A replaced by G.
Protein change: p.Gln1661Arg; replaces glutamine 1661 with arginine.
Molecular consequence: missense variant. On other transcripts: intron variant (2).
Genome position (GRCh38, 1-based): chr5:83,537,985, A>G. VCF-style: chr5-83537985-A-G. GRCh37 (hg19) VCF-style: chr5-82833804-A-G.
Other names: c.2021A>G, p.Gln674Arg (NM_001164097.2); c.4004-7552A>G (NM_001164098.2); c.1043-7552A>G (NM_001126336.3); c.4982A>G (NM_004385.4); short protein forms Q674R, Q1661R.
Identifiers: ClinVar variation 1418296 (VCV001418296.9), dbSNP rs781684060, ClinGen allele CA3333262.